The following is an entry in ClinVar:

ClinVar aggregate classification (germline): Uncertain significance (1 of 4 stars; one submission).

Submission:

GeneDx
Classification: Uncertain significance. Last evaluated: 2026-01-28. Review status: criteria provided, single submitter. Criteria: GeneDx Variant Classification Process June 2021. Collection method: clinical testing. Allele origin: germline.
Comment: Not observed at significant frequency in large population cohorts (gnomAD); In-frame duplication of 10 amino acid(s) in a non-repeat region; Has not been previously published as pathogenic or benign to our knowledge; In silico analysis is inconclusive as to whether the variant alters gene splicing. In the absence of RNA/functional studies, the actual effect of this sequence change is unknown.; This variant is associated with the following publications: (PMID: 21139634, 26094131)

NM_014946.4(SPAST):c.894_923dup (p.Thr308_Arg309insAsnLysProSerThrProThrThrAlaThr)

Gene: SPAST (spastin; plus strand). Cytogenetic location: 2p22.3.
Variant type: Duplication.
Coding change: c.894_923dup on transcript NM_014946.4 (MANE Select); coding-DNA positions 894 to 923, 30 bases duplicated (AAATAAACCTTCTACCCCTACAACTGCTAC).
Protein change: p.Thr308_Arg309insAsnLysProSerThrProThrThrAlaThr.
Molecular consequence: inframe insertion.
Genome position (GRCh38, 1-based): chr2:32,115,725-32,115,754, AAATAAACCTTCTACCCCTACAACTGCTAC duplicated; duplicating any 30 consecutive bases within chr2:32,115,723-32,115,754 gives the same sequence; the c. name uses the placement nearest the transcript's 3' end. VCF-style (leftmost placement, unchanged base first): chr2-32115722-G-GACAAATAAACCTTCTACCCCTACAACTGCT. GRCh37 (hg19) VCF-style: chr2-32340791-G-GACAAATAAACCTTCTACCCCTACAACTGCT.
Other names: c.891_920dup, p.Thr307_Arg308insAsnLysProSerThrProThrThrAlaThr (NM_001363823.2); c.795_824dup, p.Thr275_Arg276insAsnLysProSerThrProThrThrAlaThr (NM_001363875.2); c.798_827dup, p.Thr276_Arg277insAsnLysProSerThrProThrThrAlaThr (NM_001377959.1, NM_199436.2).
Identifiers: ClinVar variation 4975579 (VCV004975579.1).